The following is an entry in ClinVar:

NM_000286.3(PEX12):c.830C>T (p.Thr277Ile)

Gene: PEX12 (peroxisomal biogenesis factor 12; minus strand). Cytogenetic location: 17q12.
Variant type: single nucleotide variant.
Coding change: c.830C>T on transcript NM_000286.3 (MANE Select); coding-DNA position 830, C replaced by T.
Protein change: p.Thr277Ile; replaces threonine 277 with isoleucine.
Molecular consequence: missense variant.
Genome position (GRCh38, 1-based): chr17:35,576,032, G>A on the plus strand (C>T on the coding strand, the complement: PEX12 is on the minus strand). VCF-style: chr17-35576032-G-A. GRCh37 (hg19) VCF-style: chr17-33903051-G-A.
Other names: short protein forms T277I.
Identifiers: ClinVar variation 1492344 (VCV001492344.8), dbSNP rs1398163895, ClinGen allele CA399137280.
Genomic context (GRCh38, chr17:35,576,032, plus strand): 5'-AAGAGGGGAGAATCAGAGTTATAGTCTAGGTGTACAGGTGGTGGTGGAGTAGGCAGGGCA[G>A]TCAATGACTTGATGGTTTCTTGATTTTCAGATGAGTACCACCAGTCAAGGAACTGCAAGA-3'
Protein context (NP_000277.1, residues 267-287): SENQETIKSL[Thr277Ile]ALPTPPPPVH

ClinVar aggregate classification (germline): Uncertain significance (1 of 4 stars; one submission).

Conditions:
Peroxisome biogenesis disorder 3A (Zellweger). Also called: Peroxisome biogenesis disorder 3A; PEROXISOMAL BIOGENESIS DISORDER 3A (ZELLWEGER). Identifiers: Orphanet 912, MedGen C3553929, MONDO:0013927, OMIM 614859.

Allele frequency attached by ClinVar (database versions not stated): TOPMed below 0.00001; gnomAD 0.00001.

Submission:

Labcorp Genetics (formerly Invitae), Labcorp
Classification: Uncertain significance for Peroxisome biogenesis disorder 3A (Zellweger). Last evaluated: 2022-11-21. Review status: criteria provided, single submitter. Criteria: Invitae Variant Classification Sherloc (09022015). Collection method: clinical testing. Allele origin: germline.
Comment: This variant has not been reported in the literature in individuals affected with PEX12-related conditions. In summary, the available evidence is currently insufficient to determine the role of this variant in disease. Therefore, it has been classified as a Variant of Uncertain Significance. Advanced modeling of protein sequence and biophysical properties (such as structural, functional, and spatial information, amino acid conservation, physicochemical variation, residue mobility, and thermodynamic stability) performed at Invitae indicates that this missense variant is not expected to disrupt PEX12 protein function. ClinVar contains an entry for this variant (Variation ID: 1492344). This variant is not present in population databases (gnomAD no frequency). This sequence change replaces threonine, which is neutral and polar, with isoleucine, which is neutral and non-polar, at codon 277 of the PEX12 protein (p.Thr277Ile).